The following is an entry in ClinVar:

ClinVar aggregate classification (germline): Likely benign. Review status: criteria provided, multiple submitters, no conflicts (2 of 4 stars). 3 submissions from 3 submitters: Likely benign (3). Last evaluated 2023-02-27.

Conditions:
Familial hemiplegic migraine. Identifiers: MedGen C0338484, MONDO:0000700.

Allele frequency attached by ClinVar (database versions not stated): gnomAD 0.00001; ExAC 0.00002; gnomAD exomes 0.00002.
gnomAD v4.1: 18 of 1,613,972 alleles (0.0011%); highest among the groups gnomAD compares: Middle Eastern, 0.016%; no homozygotes.

Submissions (3):

Blueprint Genetics
Classification: Likely benign. Last evaluated: 2023-02-27. Review status: criteria provided, single submitter. Criteria: ACMG Guidelines, 2015. Collection method: clinical testing. Allele origin: germline.

Labcorp Genetics (formerly Invitae), Labcorp
Classification: Likely benign for Familial hemiplegic migraine. Last evaluated: 2022-08-10. Review status: criteria provided, single submitter. Criteria: Invitae Variant Classification Sherloc (09022015). Collection method: clinical testing. Allele origin: germline.

GeneDx
Classification: Likely benign. Last evaluated: 2018-05-08. Review status: criteria provided, single submitter. Criteria: GeneDx Variant Classification (06012015). Collection method: clinical testing. Allele origin: germline. Affected: yes.
Comment: This variant is considered likely benign or benign based on one or more of the following criteria: it is a conservative change, it occurs at a poorly conserved position in the protein, it is predicted to be benign by multiple in silico algorithms, and/or has population frequency not consistent with disease.

NM_000702.4(ATP1A2):c.381+13G>A

Gene: ATP1A2 (ATPase Na+/K+ transporting subunit alpha 2; plus strand). Cytogenetic location: 1q23.2.
Variant type: single nucleotide variant.
Coding change: c.381+13G>A on transcript NM_000702.4 (MANE Select); 13 bases into the intron after coding-DNA position 381, G replaced by A.
Molecular consequence: intron variant.
Genome position (GRCh38, 1-based): chr1:160,123,429, G>A. VCF-style: chr1-160123429-G-A. GRCh37 (hg19) VCF-style: chr1-160093219-G-A.
Identifiers: ClinVar variation 668187 (VCV000668187.6), dbSNP rs772082739, ClinGen allele CA1194167.